The following is an entry in ClinVar:

NM_003954.5(MAP3K14):c.2281C>T (p.Arg761Trp)

Genes: MAP3K14 (mitogen-activated protein kinase kinase kinase 14; minus strand), MAP3K14-AS1 (MAP3K14 antisense RNA 1; plus strand), LOC126862575 (CDK7 strongly-dependent group 2 enhancer GRCh37_chr17:43344006-43345205; plus strand). Cytogenetic location: 17q21.31.
Variant type: single nucleotide variant.
Coding change: c.2281C>T on transcript NM_003954.5 (MANE Select); coding-DNA position 2281, C replaced by T.
Protein change: p.Arg761Trp; replaces arginine 761 with tryptophan.
Molecular consequence: missense variant.
Genome position (GRCh38, 1-based): chr17:45,267,451, G>A on the plus strand (C>T on the coding strand, the complement: MAP3K14 is on the minus strand). VCF-style: chr17-45267451-G-A. GRCh37 (hg19) VCF-style: chr17-43344818-G-A.
Other names: short protein forms R761W.
Identifiers: ClinVar variation 1376558 (VCV001376558.5), dbSNP rs774779223, ClinGen allele CA8613924.
Genomic context (GRCh38, chr17:45,267,451, plus strand): 5'-CACGGCTGCCCGTACCTATTTCCAGCTGCTGCAGTTCCTGCTCCGGGACGGTTGCTTTCC[G>A]CTCTGGTGAGCTGGGGTTTCTGGCAGGGGCTGGCTCCAGGGAGGACAGAGGTAAGGGTTC-3'
Protein context (NP_003945.2, residues 751-771): APARNPSSPE[Arg761Trp]KATVPEQELQ

ClinVar aggregate classification (germline): Uncertain significance (1 of 4 stars; one submission).

Conditions:
NIK deficiency. Also called: Primary immunodeficiency with multifaceted aberrant lymphoid immunity. Identifiers: Orphanet 447731, MedGen C5680065, MONDO:0018642.

Allele frequency attached by ClinVar (database versions not stated): gnomAD exomes below 0.00001; TOPMed below 0.00001; ExAC 0.00001; gnomAD 0.00002.
gnomAD v4.1: 4 of 1,609,196 alleles (0.00025%); highest among the groups gnomAD compares: African/African-American, 0.004%; no homozygotes.

Submission:

Labcorp Genetics (formerly Invitae), Labcorp
Classification: Uncertain significance for NIK deficiency. Last evaluated: 2022-10-05. Review status: criteria provided, single submitter. Criteria: Invitae Variant Classification Sherloc (09022015). Collection method: clinical testing. Allele origin: germline.
Comment: Experimental studies and prediction algorithms are not available or were not evaluated, and the functional significance of this variant is currently unknown. ClinVar contains an entry for this variant (Variation ID: 1376558). This variant has not been reported in the literature in individuals affected with MAP3K14-related conditions. The frequency data for this variant in the population databases is considered unreliable, as metrics indicate poor data quality at this position in the gnomAD database. This sequence change replaces arginine, which is basic and polar, with tryptophan, which is neutral and slightly polar, at codon 761 of the MAP3K14 protein (p.Arg761Trp). In summary, the available evidence is currently insufficient to determine the role of this variant in disease. Therefore, it has been classified as a Variant of Uncertain Significance.